The following is an entry in ClinVar:

ClinVar aggregate classification (germline): Uncertain significance. Review status: criteria provided, multiple submitters, no conflicts (2 of 4 stars). 4 submissions from 4 submitters: Uncertain significance (3). 1 of the submissions does not count toward it. Last evaluated 2022-09-19.

Conditions:
Familial cancer of breast. Also called: BREAST CANCER, FAMILIAL; Hereditary breast cancer; hereditary breast carcinoma. Identifiers: Orphanet 227535, MedGen C0346153, MONDO:0016419, OMIM 114480. Disease mechanism: loss of function.
Hereditary cancer-predisposing syndrome. Also called: Hereditary neoplastic syndrome; Neoplastic Syndromes, Hereditary; Tumor predisposition; Hereditary Cancer Syndrome. Identifiers: Orphanet 140162, MedGen C0027672, MeSH D009386, MONDO:0015356.

Allele frequency attached by ClinVar (database versions not stated): gnomAD exomes 0.00001.
gnomAD v4.1: 3 of 1,614,116 alleles (0.00019%); highest among the groups gnomAD compares: South Asian, 0.0033%; no homozygotes.

Submissions (4):

Labcorp Genetics (formerly Invitae), Labcorp
Classification: Uncertain significance for Familial cancer of breast. Last evaluated: 2022-09-19. Review status: criteria provided, single submitter. Criteria: Invitae Variant Classification Sherloc (09022015). Collection method: clinical testing. Allele origin: germline.
Comment: In summary, the available evidence is currently insufficient to determine the role of this variant in disease. Therefore, it has been classified as a Variant of Uncertain Significance. Algorithms developed to predict the effect of missense changes on protein structure and function (SIFT, PolyPhen-2, Align-GVGD) all suggest that this variant is likely to be tolerated. ClinVar contains an entry for this variant (Variation ID: 830109). This variant has not been reported in the literature in individuals affected with PALB2-related conditions. This variant is not present in population databases (gnomAD no frequency). This sequence change replaces threonine, which is neutral and polar, with lysine, which is basic and polar, at codon 214 of the PALB2 protein (p.Thr214Lys).

Color Diagnostics, LLC DBA Color Health
Classification: Uncertain significance for Hereditary cancer-predisposing syndrome. Last evaluated: 2021-07-28. Review status: criteria provided, single submitter. Criteria: ACMG Guidelines, 2015. Collection method: clinical testing. Allele origin: germline.
Comment: This missense variant replaces threonine with lysine at codon 214 of the PALB2 protein. Computational prediction suggests that this variant may not impact protein structure and function (internally defined REVEL score threshold <= 0.5, PMID: 27666373). To our knowledge, functional studies have not been reported for this variant. This variant has not been reported in individuals affected with hereditary cancer in the literature. This variant has not been identified in the general population by the Genome Aggregation Database (gnomAD). The available evidence is insufficient to determine the role of this variant in disease conclusively. Therefore, this variant is classified as a Variant of Uncertain Significance.

Ambry Genetics
Classification: Uncertain significance for Hereditary cancer-predisposing syndrome. Last evaluated: 2021-01-07. Review status: criteria provided, single submitter. Criteria: Ambry Variant Classification Scheme 2023. Collection method: clinical testing. Allele origin: germline.
Comment: The p.T214K variant (also known as c.641C>A), located in coding exon 4 of the PALB2 gene, results from a C to A substitution at nucleotide position 641. The threonine at codon 214 is replaced by lysine, an amino acid with similar properties. This alteration was observed with an allele frequency of 0.00009 in 11,241 female controls and was not detected 7,051 unselected female breast cancer patients of Japanese ancestry (Momozawa Y et al. Nat Commun, 2018 10;9:4083). This amino acid position is not well conserved in available vertebrate species. In addition, this alteration is predicted to be tolerated by in silico analysis. Since supporting evidence is limited at this time, the clinical significance of this alteration remains unclear.

Leiden Open Variation Database
Classification: Uncertain significance. Last evaluated: 2018-10-10. Review status: no assertion criteria provided. Collection method: curation. Allele origin: germline. Affected: yes. Not counted in ClinVar's aggregate classification.
Comment: Curators: Marc Tischkowitz, Arleen D. Auerbach. Submitter to LOVD: Yukihide Momozawa.

Literature cited by the submitters: PubMed 30287823 (cited by Ambry Genetics and Leiden Open Variation Database).

NM_024675.4(PALB2):c.641C>A (p.Thr214Lys)

Gene: PALB2 (partner and localizer of BRCA2; minus strand). Cytogenetic location: 16p12.2.
Variant type: single nucleotide variant.
Coding change: c.641C>A on transcript NM_024675.4 (MANE Select); coding-DNA position 641, C replaced by A.
Protein change: p.Thr214Lys; replaces threonine 214 with lysine.
Molecular consequence: missense variant.
Genome position (GRCh38, 1-based): chr16:23,635,905, G>T on the plus strand (C>A on the coding strand, the complement: PALB2 is on the minus strand). VCF-style: chr16-23635905-G-T. GRCh37 (hg19) VCF-style: chr16-23647226-G-T.
Other names: short protein forms T214K.
Identifiers: ClinVar variation 830109 (VCV000830109.15), dbSNP rs1967032138, ClinGen allele CA395136550.
Genomic context (GRCh38, chr16:23,635,905, plus strand): 5'-TCAACACCTTTTTCTGGTTGGGCAGTTGGTGGAATTAATACACTGTCTTCATTAATTTCT[G>T]TAACTGGTTCTGGAGAATCTGGAAGTTCAGATTTAAGACTTAAAAGGTGAGTTCTTATTT-3'
Protein context (NP_078951.2, residues 204-224): SELPDSPEPV[Thr214Lys]EINEDSVLIP